The following is an entry in ClinVar:

ClinVar aggregate classification (germline): Likely benign (1 of 4 stars; one submission).

Conditions:
EPHX1-related disorder. Also called: EPHX1-related condition.

gnomAD v4.1: 101 of 1,612,494 alleles (0.0063%); highest among the groups gnomAD compares: Middle Eastern, 0.15%; no homozygotes.

Submission:

PreventionGenetics, part of Exact Sciences
Classification: Likely benign for EPHX1-related condition. Last evaluated: 2025-12-29. Review status: criteria provided, single submitter. Criteria: ACMG Guidelines, 2015. Collection method: clinical testing. Allele origin: germline.
Comment: This variant is classified as likely benign based on ACMG/AMP sequence variant interpretation guidelines (Richards et al. 2015 PMID: 25741868, with internal and published modifications).

NM_001136018.4(EPHX1):c.1323C>T (p.Leu441=)

Genes: EPHX1 (epoxide hydrolase 1; plus strand), TMEM63A (transmembrane protein 63A; minus strand). Cytogenetic location: 1q42.12.
Variant type: single nucleotide variant.
Coding change: c.1323C>T on transcript NM_001136018.4 (MANE Select); coding-DNA position 1323, C replaced by T.
Protein change: p.Leu441=; no amino-acid change (leucine 441 retained).
Molecular consequence: synonymous variant. On other transcripts: non-coding transcript variant (4).
Genome position (GRCh38, 1-based): chr1:225,845,302, C>T. VCF-style: chr1-225845302-C-T. GRCh37 (hg19) VCF-style: chr1-226033003-C-T.
Other names: c.1323C>T, p.Leu441= (NM_000120.4, NM_001291163.2, NM_001378426.1 and 1 more transcripts); c.1296C>T, p.Leu432= (NM_001378428.1); c.1275C>T, p.Leu425= (NM_001378429.1, NM_001378430.1); c.1095C>T, p.Leu365= (NM_001378431.1); c.756C>T, p.Leu252= (NM_001378432.1).
Identifiers: ClinVar variation 4987970 (VCV004987970.1).